The following is an entry in ClinVar:

NM_001035.3(RYR2):c.2689A>C (p.Lys897Gln)

Gene: RYR2 (ryanodine receptor 2; plus strand). Cytogenetic location: 1q43.
Variant type: single nucleotide variant.
Coding change: c.2689A>C on transcript NM_001035.3 (MANE Select); coding-DNA position 2689, A replaced by C.
Protein change: p.Lys897Gln; replaces lysine 897 with glutamine.
Molecular consequence: missense variant.
Genome position (GRCh38, 1-based): chr1:237,506,785, A>C. VCF-style: chr1-237506785-A-C. GRCh37 (hg19) VCF-style: chr1-237670085-A-C.
Other names: short protein forms K897Q.
Identifiers: ClinVar variation 4758919 (VCV004758919.1).

ClinVar aggregate classification (germline): Uncertain significance (1 of 4 stars; one submission).

Conditions:
Cardiomyopathy (CMYO). Also called: Cardiomyopathies. Identifiers: Orphanet 167848, MedGen C0878544, MONDO:0004994, HP:0001638. Inheritance: Various modes of inheritance.

gnomAD v4.1: 3 of 1,613,786 alleles (0.00019%); highest among the groups gnomAD compares: Non-Finnish European, 0.00025%; no homozygotes.

Submission:

Color Diagnostics, LLC DBA Color Health
Classification: Uncertain significance for Cardiomyopathy. Last evaluated: 2025-07-14. Review status: criteria provided, single submitter. Criteria: ACMG Guidelines, 2015. Collection method: clinical testing. Allele origin: germline.
Comment: This missense variant replaces lysine with glutamine at codon 897 of the RYR2 protein. Computational prediction suggests that this variant may have deleterious impact on protein structure and function. To our knowledge, functional studies have not been reported for this variant. This variant has not been reported in individuals affected with RYR2-related disorders in the literature. This variant has not been identified in the general population by the Genome Aggregation Database (gnomAD). The available evidence is insufficient to determine the role of this variant in disease conclusively. Therefore, this variant is classified as a Variant of Uncertain Significance.